The following is an entry in ClinVar:

NM_000455.5(STK11):c.454C>T (p.Gln152Ter)

Gene: STK11 (serine/threonine kinase 11; plus strand). Cytogenetic location: 19p13.3.
Variant type: single nucleotide variant.
Coding change: c.454C>T on transcript NM_000455.5 (MANE Select); coding-DNA position 454, C replaced by T.
Protein change: p.Gln152Ter; replaces glutamine 152 with a stop codon.
Molecular consequence: nonsense.
Genome position (GRCh38, 1-based): chr19:1,219,403, C>T. VCF-style: chr19-1219403-C-T. GRCh37 (hg19) VCF-style: chr19-1219402-C-T.
Other names: short protein forms Q152*.
Identifiers: ClinVar variation 1456529 (VCV001456529.8), dbSNP rs2145422504, ClinGen allele CA402948372.

ClinVar aggregate classification (germline): Pathogenic (1 of 4 stars; one submission).

Conditions:
Peutz-Jeghers syndrome (PJS). Also called: POLYPOSIS, HAMARTOMATOUS INTESTINAL; POLYPS-AND-SPOTS SYNDROME; Peutz-Jeghers polyposis; Periorificial lentiginosis syndrome. Identifiers: Orphanet 2869, MedGen C0031269, MeSH D010580, MONDO:0008280, OMIM 175200.

Submission:

Labcorp Genetics (formerly Invitae), Labcorp
Classification: Pathogenic for Peutz-Jeghers syndrome. Last evaluated: 2023-08-11. Review status: criteria provided, single submitter. Criteria: Invitae Variant Classification Sherloc (09022015). Collection method: clinical testing. Allele origin: germline.
Comment: For these reasons, this variant has been classified as Pathogenic. Algorithms developed to predict the effect of sequence changes on RNA splicing suggest that this variant may disrupt the consensus splice site. ClinVar contains an entry for this variant (Variation ID: 1456529). This premature translational stop signal has been observed in individual(s) with clinical features of Peutz-Jeghers syndrome (PMID: 9887330, 12865922). This variant is not present in population databases (gnomAD no frequency). This sequence change creates a premature translational stop signal (p.Gln152*) in the STK11 gene. It is expected to result in an absent or disrupted protein product. Loss-of-function variants in STK11 are known to be pathogenic (PMID: 15188174, 16287113).

Literature cited by the submitters: PubMed 9887330; PubMed 12865922; PubMed 15188174; PubMed 16287113.